The following is an entry in ClinVar:

ClinVar aggregate classification (germline): Uncertain significance (1 of 4 stars; one submission).

Submission:

GeneDx
Classification: Uncertain significance. Last evaluated: 2020-06-25. Review status: criteria provided, single submitter. Criteria: GeneDx Variant Classification Process June 2021. Collection method: clinical testing. Allele origin: germline. Affected: yes.
Comment: Not observed in large population cohorts (Lek et al., 2016); In silico analysis supports that this missense variant has a deleterious effect on protein structure/function; Has not been previously published as pathogenic or benign to our knowledge

NM_000102.4(CYP17A1):c.875T>G (p.Ile292Ser)

Genes: CYP17A1 (cytochrome P450 family 17 subfamily A member 1; minus strand), CYP17A1-AS1 (CYP17A1 antisense RNA 1; plus strand). Cytogenetic location: 10q24.32.
Variant type: single nucleotide variant.
Coding change: c.875T>G on transcript NM_000102.4 (MANE Select); coding-DNA position 875, T replaced by G.
Protein change: p.Ile292Ser; replaces isoleucine 292 with serine.
Molecular consequence: missense variant.
Genome position (GRCh38, 1-based): chr10:102,833,087, A>C on the plus strand (T>G on the coding strand, the complement: CYP17A1 is on the minus strand). VCF-style: chr10-102833087-A-C. GRCh37 (hg19) VCF-style: chr10-104592844-A-C.
Other names: short protein forms I292S.
Identifiers: ClinVar variation 1312906 (VCV001312906.2), dbSNP rs2134082729, ClinGen allele CA377939220.